The following is an entry in ClinVar:

NM_000211.5(ITGB2):c.1366C>T (p.Arg456Cys)

Gene: ITGB2 (integrin subunit beta 2; minus strand). Cytogenetic location: 21q22.3.
Variant type: single nucleotide variant.
Coding change: c.1366C>T on transcript NM_000211.5 (MANE Select); coding-DNA position 1366, C replaced by T.
Protein change: p.Arg456Cys; replaces arginine 456 with cysteine.
Molecular consequence: missense variant.
Genome position (GRCh38, 1-based): chr21:44,891,855, G>A on the plus strand (C>T on the coding strand, the complement: ITGB2 is on the minus strand). VCF-style: chr21-44891855-G-A. GRCh37 (hg19) VCF-style: chr21-46311770-G-A.
Other names: c.1366C>T, p.Arg456Cys (NM_001127491.3); c.1159C>T, p.Arg387Cys (NM_001303238.2); short protein forms R387C, R456C.
Identifiers: ClinVar variation 844667 (VCV000844667.12), dbSNP rs146014032, ClinGen allele CA10062849.

ClinVar aggregate classification (germline): Uncertain significance (1 of 4 stars; one submission).

Conditions:
Leukocyte adhesion deficiency 1 (LAD1). Also called: LEUKOCYTE ADHESION DEFICIENCY, TYPE I; LAD 1; Lymphocyte function-associated antigen 1 immunodeficiency; LFA 1 immunodeficiency. Identifiers: Orphanet 2968, Orphanet 99842, MedGen C0398738, MONDO:0007293, OMIM 116920.

Allele frequency attached by ClinVar (database versions not stated): gnomAD below 0.00001 and 0.00001; gnomAD exomes 0.00001 and 0.00002; TOPMed 0.00002; ExAC 0.00003; ESP Exome Variant Server 0.00015.
gnomAD v4.1: 10 of 1,611,240 alleles (0.00062%); highest among the groups gnomAD compares: South Asian, 0.0033%; no homozygotes.

Submission:

Labcorp Genetics (formerly Invitae), Labcorp
Classification: Uncertain significance for Leukocyte adhesion deficiency 1. Last evaluated: 2022-07-06. Review status: criteria provided, single submitter. Criteria: Invitae Variant Classification Sherloc (09022015). Collection method: clinical testing. Allele origin: germline.
Comment: In summary, the available evidence is currently insufficient to determine the role of this variant in disease. Therefore, it has been classified as a Variant of Uncertain Significance. Algorithms developed to predict the effect of missense changes on protein structure and function are either unavailable or do not agree on the potential impact of this missense change (SIFT: "Deleterious"; PolyPhen-2: "Possibly Damaging"; Align-GVGD: "Class C15"). ClinVar contains an entry for this variant (Variation ID: 844667). This variant has not been reported in the literature in individuals affected with ITGB2-related conditions. This variant is present in population databases (rs146014032, gnomAD 0.003%). This sequence change replaces arginine, which is basic and polar, with cysteine, which is neutral and slightly polar, at codon 456 of the ITGB2 protein (p.Arg456Cys).